The following is an entry in ClinVar:

ClinVar aggregate classification (germline): Benign. Review status: criteria provided, multiple submitters, no conflicts (2 of 4 stars). 4 submissions from 4 submitters: Benign (4). Last evaluated 2023-11-12.

Conditions:
Immunodeficiency 35 (IMD35). Also called: HIES WITH ATYPICAL MYCOBACTERIOSIS, AUTOSOMAL RECESSIVE; HYPER-IgE SYNDROME WITH ATYPICAL MYCOBACTERIOSIS, AUTOSOMAL RECESSIVE; Susceptibility to infection due to TYK2 deficiency; TYK2 DEFICIENCY. Identifiers: Orphanet 331226, MedGen C1969086, MONDO:0012682, OMIM 611521.

Allele frequency attached by ClinVar (database versions not stated): gnomAD exomes 0.52739; ExAC 0.53333; ESP Exome Variant Server 0.55245; gnomAD 0.55677; TOPMed 0.55806; 1000 Genomes Project 0.57827; 1000 Genomes Project 30x 0.57948.
gnomAD v4.1: 860,984 of 1,610,030 alleles (53%); highest among the groups gnomAD compares: African/African-American, 64%; 232,452 homozygotes.

Submissions (4):

Unidad de Genómica Garrahan, Hospital de Pediatría Garrahan
Classification: Benign. Last evaluated: 2023-11-12. Review status: criteria provided, single submitter. Criteria: ACMG Guidelines, 2015. Collection method: clinical testing. Allele origin: germline. Affected: no. Observed: 74 variant alleles.
Comment: This variant is classified as Benign based on local population frequency. This variant was detected in 77% of patients studied by a panel of primary immunodeficiencies. Number of patients: 74. Only high quality variants are reported.

Genome-Nilou Lab
Classification: Benign for Immunodeficiency 35. Last evaluated: 2021-12-05. Review status: criteria provided, single submitter. Criteria: ACMG Guidelines, 2015. Collection method: clinical testing. Allele origin: germline. Affected: no.

GeneDx
Classification: Benign. Last evaluated: 2018-06-14. Review status: criteria provided, single submitter. Criteria: GeneDx Variant Classification (06012015). Collection method: clinical testing. Allele origin: germline. Affected: yes.
Comment: This variant is considered likely benign or benign based on one or more of the following criteria: it is a conservative change, it occurs at a poorly conserved position in the protein, it is predicted to be benign by multiple in silico algorithms, and/or has population frequency not consistent with disease.

Breakthrough Genomics
Classification: Benign. Review status: criteria provided, single submitter. Criteria: ACMG Guidelines, 2015. Collection method: not provided. Allele origin: germline. Inheritance: Autosomal recessive inheritance. Affected: yes.

NM_003331.5(TYK2):c.2908+31T>C

Gene: TYK2 (tyrosine kinase 2; minus strand). Cytogenetic location: 19p13.2.
Variant type: single nucleotide variant.
Coding change: c.2908+31T>C on transcript NM_003331.5 (MANE Select); 31 bases into the intron after coding-DNA position 2908, T replaced by C.
Molecular consequence: intron variant.
Genome position (GRCh38, 1-based): chr19:10,354,011, A>G on the plus strand (T>C on the coding strand, the complement: TYK2 is on the minus strand). VCF-style: chr19-10354011-A-G. GRCh37 (hg19) VCF-style: chr19-10464687-A-G.
Identifiers: ClinVar variation 673300 (VCV000673300.5), dbSNP rs280497, ClinGen allele CA9192892.